The following is an entry in ClinVar:

ClinVar aggregate classification (germline): Uncertain significance (1 of 4 stars; one submission).

Conditions:
CLDN14-related disorder. Also called: CLDN14-related condition.

gnomAD v4.1: 27 of 1,613,816 alleles (0.0017%); highest among the groups gnomAD compares: South Asian, 0.027%; 1 homozygote.

Submission:

PreventionGenetics, part of Exact Sciences
Classification: Uncertain significance for CLDN14-related condition. Last evaluated: 2025-11-13. Review status: criteria provided, single submitter. Criteria: ACMG Guidelines, 2015. Collection method: clinical testing. Allele origin: germline.
Comment: The CLDN14 c.423C>A variant is predicted to result in the amino acid substitution p.Asn141Lys. To our knowledge, this variant has not been reported in the literature. This variant is reported in 0.026% of alleles in individuals of South Asian descent in gnomAD. At this time, the clinical significance of this variant is uncertain due to the absence of conclusive functional and genetic evidence.

NM_001146079.2(CLDN14):c.423C>A (p.Asn141Lys)

Genes: CLDN14 (claudin 14; minus strand), CLDN14-AS1 (CLDN14 antisense RNA 1; plus strand). Cytogenetic location: 21q22.13.
Variant type: single nucleotide variant.
Coding change: c.423C>A on transcript NM_001146079.2 (MANE Select); coding-DNA position 423, C replaced by A.
Protein change: p.Asn141Lys; replaces asparagine 141 with lysine.
Molecular consequence: missense variant.
Genome position (GRCh38, 1-based): chr21:36,461,273, G>T on the plus strand (C>A on the coding strand, the complement: CLDN14 is on the minus strand). VCF-style: chr21-36461273-G-T. GRCh37 (hg19) VCF-style: chr21-37833571-G-T.
Other names: c.423C>A, p.Asn141Lys (NM_001146077.2, NM_001146078.3, NM_012130.4 and 1 more transcripts); short protein forms N141K.
Identifiers: ClinVar variation 4988010 (VCV004988010.1).
Genomic context (GRCh38, chr21:36,461,273, plus strand): 5'-GCCAATCTCAAACTTCATGCCGCTGGGCAGCAGCGGGTTGTAGAAGTTCTGCACCACGTC[G>T]TTGGTGGTCCAGGAGACGGCCACCATGCACAGGAGGCCGGCCAGGATGAAGAGGGTGCCG-3'
Protein context (NP_001139551.1, residues 131-151): LCMVAVSWTT[Asn141Lys]DVVQNFYNPL